The following is an entry in ClinVar:

ClinVar aggregate classification (germline): Likely pathogenic (1 of 4 stars; one submission).

Conditions:
Osteogenesis imperfecta type 6. Also called: Osteogenesis imperfecta, type VI. Identifiers: Orphanet 666, MedGen C3279564, MONDO:0013515, OMIM 613982.

Submission:

MGZ Medical Genetics Center
Classification: Likely pathogenic for Osteogenesis imperfecta type 6. Last evaluated: 2021-07-26. Review status: criteria provided, single submitter. Criteria: ACMG Guidelines, 2015. Collection method: clinical testing. Allele origin: germline. Affected: yes. Observed: 1 variant allele.
Comment: ACMG criteria applied: PVS1_STR, PM2_SUP, PM3_SUP

NM_002615.7(SERPINF1):c.1075del (p.Arg359fs)

Gene: SERPINF1 (serpin family F member 1; plus strand). Cytogenetic location: 17p13.3.
Variant type: Deletion.
Coding change: c.1075del on transcript NM_002615.7 (MANE Select); coding-DNA position 1075, one base deleted (C; older notation c.1075delC).
Protein change: p.Arg359fs; shifts the reading frame from arginine 359.
Molecular consequence: frameshift variant.
Genome position (GRCh38, 1-based): chr17:1,777,264, C deleted; the last of 2 consecutive C bases (chr17:1,777,263-1,777,264); deleting either gives the same sequence. VCF-style (leftmost placement, unchanged base first): chr17-1777262-AC-A. GRCh37 (hg19) VCF-style: chr17-1680556-AC-A.
Other names: c.1075del, p.Arg359fs (NM_001329903.2); c.514del, p.Arg172fs (NM_001329904.2, NM_001329905.2); short protein forms R172fs, R359fs.
Identifiers: ClinVar variation 1709930 (VCV001709930.1), dbSNP rs2543494977, ClinGen allele CA2580092465.